The following is an entry in ClinVar:

ClinVar aggregate classification (germline): Uncertain significance (1 of 4 stars; one submission).

Allele frequency attached by ClinVar (database versions not stated): TOPMed below 0.00001; gnomAD 0.00001.
gnomAD v4.1: 1 of 1,613,520 alleles (0.000062%); highest among the groups gnomAD compares: Non-Finnish European, 0.000085%; no homozygotes.

Submission:

Labcorp Genetics (formerly Invitae), Labcorp
Classification: Uncertain significance. Last evaluated: 2024-06-11. Review status: criteria provided, single submitter. Criteria: Invitae Variant Classification Sherloc (09022015). Collection method: clinical testing. Allele origin: germline.
Comment: This sequence change replaces proline, which is neutral and non-polar, with alanine, which is neutral and non-polar, at codon 1526 of the TOP2B protein (p.Pro1526Ala). This variant is present in population databases (no rsID available, gnomAD 0.007%). This variant has not been reported in the literature in individuals affected with TOP2B-related conditions. An algorithm developed to predict the effect of missense changes on protein structure and function (PolyPhen-2) suggests that this variant is likely to be tolerated. In summary, the available evidence is currently insufficient to determine the role of this variant in disease. Therefore, it has been classified as a Variant of Uncertain Significance.

NM_001330700.2(TOP2B):c.4591C>G (p.Pro1531Ala)

Gene: TOP2B (DNA topoisomerase II beta; minus strand). Cytogenetic location: 3p24.2.
Variant type: single nucleotide variant.
Coding change: c.4591C>G on transcript NM_001330700.2 (MANE Select); coding-DNA position 4591, C replaced by G.
Protein change: p.Pro1531Ala; replaces proline 1531 with alanine.
Molecular consequence: missense variant.
Genome position (GRCh38, 1-based): chr3:25,601,124, G>C on the plus strand (C>G on the coding strand, the complement: TOP2B is on the minus strand). VCF-style: chr3-25601124-G-C. GRCh37 (hg19) VCF-style: chr3-25642615-G-C.
Other names: c.4576C>G, p.Pro1526Ala (NM_001068.3); short protein forms P1526A, P1531A.
Identifiers: ClinVar variation 3005270 (VCV003005270.3), dbSNP rs1216301360, ClinGen allele CA351890865.
Genomic context (GRCh38, chr3:25,601,124, plus strand): 5'-CATATGTTTAAAGGGTTATAAGAAGATAATCCTCACCTTTTGGTGTTGTAGTCTTCTTTG[G>C]AATGCCAAATTCTGAATCCGAGTCAGAGTTTACAGCCTCTACTACTTTCTTCTGTTTTGG-3'
Protein context (NP_001317629.1, residues 1521-1541): NSDSDSEFGI[Pro1531Ala]KKTTTPKGKG